The following is an entry in ClinVar:

NM_001278298.2(COL6A5):c.4675C>T (p.Gln1559Ter)

Gene: COL6A5 (collagen type VI alpha 5 chain; plus strand). Cytogenetic location: 3q22.1.
Variant type: single nucleotide variant.
Coding change: c.4675C>T on transcript NM_001278298.2 (MANE Select); coding-DNA position 4675, C replaced by T.
Protein change: p.Gln1559Ter; replaces glutamine 1559 with a stop codon.
Molecular consequence: nonsense. On other transcripts: non-coding transcript variant (1).
Genome position (GRCh38, 1-based): chr3:130,413,557, C>T. VCF-style: chr3-130413557-C-T. GRCh37 (hg19) VCF-style: chr3-130132401-C-T.
Other names: c.4675C>T, p.Gln1559Ter (NM_153264.7); short protein forms Q1559*.
Identifiers: ClinVar variation 4977591 (VCV004977591.1).

ClinVar aggregate classification (germline): Likely benign (1 of 4 stars; one submission).

Conditions:
COL6A5-related disorder. Also called: COL6A5-related condition.

gnomAD v4.1: 2,129 of 1,549,156 alleles (0.14%); highest among the groups gnomAD compares: Admixed American, 0.54%; 47 homozygotes.

Submission:

PreventionGenetics, part of Exact Sciences
Classification: Likely benign for COL6A5-related condition. Last evaluated: 2025-07-29. Review status: criteria provided, single submitter. Criteria: ACMG Guidelines, 2015. Collection method: clinical testing. Allele origin: germline.
Comment: This variant is classified as likely benign based on ACMG/AMP sequence variant interpretation guidelines (Richards et al. 2015 PMID: 25741868, with internal and published modifications).